The following is an entry in ClinVar:

NM_006796.2(AFG3L2):c.-151C>T

Gene: AFG3L2 (AFG3 like matrix AAA peptidase subunit 2; minus strand). Cytogenetic location: 18p11.21.
Variant type: single nucleotide variant.
Coding change: c.-151C>T on transcript NM_006796.2; 151 bases upstream of the start codon, C replaced by T.
Genome position (GRCh38, 1-based): chr18:12,377,233, G>A on the plus strand (C>T on the coding strand, the complement: AFG3L2 is on the minus strand). VCF-style: chr18-12377233-G-A. GRCh37 (hg19) VCF-style: chr18-12377232-G-A.
Identifiers: ClinVar variation 889850 (VCV000889850.6), dbSNP rs554944971, ClinGen allele CA296726723.

ClinVar aggregate classification (germline): Benign (1 of 4 stars; one submission).

Conditions:
Spinocerebellar ataxia type 28 (SCA28). Also called: Spinocerebellar Ataxia Type 28 (SCA28). Identifiers: Orphanet 101109, MedGen C1853249, MONDO:0012450, OMIM 610246.

Allele frequency attached by ClinVar (database versions not stated): 1000 Genomes Project 30x 0.00047; TOPMed 0.00061; gnomAD exomes 0.00007; 1000 Genomes Project 0.00040.

Submission:

Illumina Laboratory Services, Illumina
Classification: Benign for Spinocerebellar ataxia type 28. Last evaluated: 2018-01-12. Review status: criteria provided, single submitter. Criteria: ICSL Variant Classification Criteria 13 December 2019. Collection method: clinical testing. Allele origin: germline.
Comment: This variant was observed in the ICSL laboratory as part of a predisposition screen in an ostensibly healthy population. It had not been previously curated by ICSL or reported in the Human Gene Mutation Database (HGMD: prior to June 1st, 2018), and was therefore a candidate for classification through an automated scoring system. Utilizing variant allele frequency, disease prevalence and penetrance estimates, and inheritance mode, an automated score was calculated to assess if this variant is too frequent to cause the disease. Based on the score and internal cut-off values, a variant classified as benign is not then subjected to further curation. The score for this variant resulted in a classification of benign for this disease.